The following is an entry in ClinVar:

ClinVar aggregate classification (germline): Pathogenic. Review status: criteria provided, single submitter (1 of 4 stars). 3 submissions from 3 submitters: Pathogenic (1). 2 of the submissions do not count toward it. Last evaluated 2024-04-02.

Conditions:
Coffin-Lowry syndrome (CLS). Also called: COFFIN-LOWRY SYNDROME, MILD; Mental retardation with osteocartilaginous abnormalities. Identifiers: Orphanet 192, MedGen C0265252, MONDO:0010561, OMIM 303600.

Submissions (3):

GeneDx
Classification: Pathogenic. Last evaluated: 2024-04-02. Review status: criteria provided, single submitter. Criteria: GeneDx Variant Classification Process June 2021. Collection method: clinical testing. Allele origin: germline. Affected: yes.
Comment: Frameshift variant predicted to result in protein truncation or nonsense mediated decay in a gene for which loss of function is a known mechanism of disease; Not observed at significant frequency in large population cohorts (gnomAD); This variant is associated with the following publications: (PMID: 10094187, 16879200, 11180593, 34556655)

Shieh Lab, University of California, San Francisco
Classification: Pathogenic for Coffin-Lowry syndrome. Last evaluated: 2020-10-19. Review status: no assertion criteria provided. Collection method: research. Allele origin: germline. Affected: yes. Not counted in ClinVar's aggregate classification.

OMIM
Classification: Pathogenic for COFFIN-LOWRY SYNDROME. Last evaluated: 1999-01-01. Review status: no assertion criteria provided. Collection method: literature only. Allele origin: germline. Not counted in ClinVar's aggregate classification.

Literature cited by the submitters: PubMed 10094187 (cited by OMIM).

NM_004586.3(RPS6KA3):c.451_452del (p.Arg151fs)

Gene: RPS6KA3 (ribosomal protein S6 kinase A3; minus strand). Cytogenetic location: Xp22.12.
Variant type: Deletion.
Coding change: c.451_452del on transcript NM_004586.3 (MANE Select); coding-DNA positions 451 to 452, 2 bases deleted (AG; older notation c.451_452delAG).
Protein change: p.Arg151fs; shifts the reading frame from arginine 151.
Molecular consequence: frameshift variant.
Genome position (GRCh38, 1-based): chrX:20,194,223-20,194,224, CT deleted on the plus strand (AG on the coding strand, the reverse complement: RPS6KA3 is on the minus strand). VCF-style (leftmost placement, unchanged base first): chrX-20194222-CCT-C. GRCh37 (hg19) VCF-style: chrX-20212340-CCT-C.
Other names: c.451_452del (NM_004586.2); short protein forms R151fs.
Identifiers: ClinVar variation 11656 (VCV000011656.5), dbSNP rs1603426295, ClinGen allele CA913185057.
Genomic context (GRCh38, chrX:20,194,222, plus strand): 5'-GACTAAAAATAGAGATTAATTATATACCTCTTTGGATAAGCGTGTAAACAAATCTCCTCC[CCT>C]GAGAAAATCCAAAATAAGATACAACTTCCCTTCAGTTTGAAAAGCTGAATGAAGAAATGA-3'